The following is an entry in ClinVar:

NM_001453.3(FOXC1):c.55C>T (p.Leu19Phe)

Gene: FOXC1 (forkhead box C1; plus strand). Cytogenetic location: 6p25.3.
Variant type: single nucleotide variant.
Coding change: c.55C>T on transcript NM_001453.3 (MANE Select); coding-DNA position 55, C replaced by T.
Protein change: p.Leu19Phe; replaces leucine 19 with phenylalanine.
Molecular consequence: missense variant.
Genome position (GRCh38, 1-based): chr6:1,610,500, C>T. VCF-style: chr6-1610500-C-T. GRCh37 (hg19) VCF-style: chr6-1610735-C-T.
Other names: p.Leu19Phe; short protein forms L19F.
Identifiers: ClinVar variation 2682915 (VCV002682915.1), dbSNP rs1180074594, ClinGen allele CA362557981.

ClinVar aggregate classification (germline): Uncertain significance (1 of 4 stars; one submission).

Allele frequency attached by ClinVar (database versions not stated): gnomAD 0.00001; TOPMed 0.00001.
gnomAD v4.1: 2 of 1,506,142 alleles (0.00013%); highest among the groups gnomAD compares: Non-Finnish European, 0.00018%; no homozygotes.

Submission:

Mayo Clinic Laboratories, Mayo Clinic
Classification: Uncertain significance. Last evaluated: 2023-02-02. Review status: criteria provided, single submitter. Criteria: ACMG Guidelines, 2015. Collection method: clinical testing. Allele origin: germline. Observed: 1 variant allele.
Comment: PM2